The following is an entry in ClinVar:

NM_002439.5(MSH3):c.1010C>G (p.Ser337Cys)

Genes: MSH3 (mutS homolog 3; plus strand), LOC126807437 (MED14-independent group 3 enhancer GRCh37_chr5:79968379-79969578; plus strand). Cytogenetic location: 5q14.1.
Variant type: single nucleotide variant.
Coding change: c.1010C>G on transcript NM_002439.5 (MANE Select); coding-DNA position 1010, C replaced by G.
Protein change: p.Ser337Cys; replaces serine 337 with cysteine.
Molecular consequence: missense variant.
Genome position (GRCh38, 1-based): chr5:80,672,841, C>G. VCF-style: chr5-80672841-C-G. GRCh37 (hg19) VCF-style: chr5-79968660-C-G.
Other names: c.1010C>G (NM_002439.3); short protein forms S337C.
Identifiers: ClinVar variation 2861078 (VCV002861078.4), dbSNP rs2546722986, ClinGen allele CA360267530.
Genomic context (GRCh38, chr5:80,672,841, plus strand): 5'-CCATTGGAGACAACAGAAGTTCACTCTTTTCCCGGAAATTGACTGCCCTTTATACAAAAT[C>G]TACACTTATTGGAGAAGATATCCTTTTTGGACGGGAGTTTTTCTCTTAAATGATACAAGG-3'
Protein context (NP_002430.3, residues 327-347): SRKLTALYTK[Ser337Cys]TLIGEDVNPL

ClinVar aggregate classification (germline): Uncertain significance. Review status: criteria provided, multiple submitters, no conflicts (2 of 4 stars). 2 submissions from 2 submitters: Uncertain significance (2). Last evaluated 2024-08-16.

Conditions:
Hereditary cancer-predisposing syndrome. Also called: Hereditary neoplastic syndrome; Tumor predisposition; Neoplastic Syndromes, Hereditary; Hereditary Cancer Syndrome. Identifiers: Orphanet 140162, MedGen C0027672, MeSH D009386, MONDO:0015356.

Allele frequency attached by ClinVar (database versions not stated): gnomAD exomes below 0.00001.
gnomAD v4.1: 3 of 1,611,442 alleles (0.00019%); highest among the groups gnomAD compares: Non-Finnish European, 0.00025%; no homozygotes.

Submissions (2):

Ambry Genetics
Classification: Uncertain significance for Hereditary cancer-predisposing syndrome. Last evaluated: 2024-08-16. Review status: criteria provided, single submitter. Criteria: Ambry Variant Classification Scheme 2023. Collection method: clinical testing. Allele origin: germline.
Comment: The p.S337C variant (also known as c.1010C>G), located in coding exon 6 of the MSH3 gene, results from a C to G substitution at nucleotide position 1010. The serine at codon 337 is replaced by cysteine, an amino acid with dissimilar properties. This amino acid position is highly conserved in available vertebrate species. In addition, this alteration is predicted to be deleterious by in silico analysis. Based on the available evidence, the clinical significance of this variant remains unclear.

Labcorp Genetics (formerly Invitae), Labcorp
Classification: Uncertain significance. Last evaluated: 2023-05-02. Review status: criteria provided, single submitter. Criteria: Invitae Variant Classification Sherloc (09022015). Collection method: clinical testing. Allele origin: germline.
Comment: In summary, the available evidence is currently insufficient to determine the role of this variant in disease. Therefore, it has been classified as a Variant of Uncertain Significance. Algorithms developed to predict the effect of sequence changes on RNA splicing suggest that this variant may disrupt the consensus splice site. An algorithm developed to predict the effect of missense changes on protein structure and function (PolyPhen-2) suggests that this variant is likely to be disruptive. This variant has not been reported in the literature in individuals affected with MSH3-related conditions. This variant is not present in population databases (gnomAD no frequency). This sequence change replaces serine, which is neutral and polar, with cysteine, which is neutral and slightly polar, at codon 337 of the MSH3 protein (p.Ser337Cys).